The following is an entry in ClinVar:

ClinVar aggregate classification (germline): Likely pathogenic (1 of 4 stars; one submission).

Conditions:
Autosomal dominant Alport syndrome (ATS3A). Also called: Alport syndrome dominant type; Renal failure and sensorineural hearing loss; ALPORT SYNDROME 3A, AUTOSOMAL DOMINANT. Identifiers: Orphanet 63, Orphanet 88918, MedGen C5882663, MONDO:0007086, OMIM 104200.

Submission:

Laboratory of Medical Genetics, National & Kapodistrian University of Athens
Classification: Likely pathogenic for Autosomal dominant Alport syndrome. Last evaluated: 2022-12-19. Review status: criteria provided, single submitter. Criteria: ACMG Guidelines, 2015. Collection method: clinical testing. Allele origin: germline. Affected: yes.
Comment: PM1, PM2, PM5, PP4, PP3

NM_000091.5(COL4A3):c.1087G>T (p.Gly363Trp)

Genes: MFF-DT (MFF divergent transcript; minus strand), COL4A3 (collagen type IV alpha 3 chain; plus strand). Cytogenetic location: 2q36.3.
Variant type: single nucleotide variant.
Coding change: c.1087G>T on transcript NM_000091.5 (MANE Select); coding-DNA position 1087, G replaced by T.
Protein change: p.Gly363Trp; replaces glycine 363 with tryptophan.
Molecular consequence: missense variant.
Genome position (GRCh38, 1-based): chr2:227,259,850, G>T. VCF-style: chr2-227259850-G-T. GRCh37 (hg19) VCF-style: chr2-228124566-G-T.
Other names: short protein forms G363W.
Identifiers: ClinVar variation 2572638 (VCV002572638.1), dbSNP rs1559875465, ClinGen allele CA350868391.